The following is an entry in ClinVar:

NM_022089.4(ATP13A2):c.229C>T (p.Leu77Phe)

Gene: ATP13A2 (ATPase cation transporting 13A2; minus strand). Cytogenetic location: 1p36.13.
Variant type: single nucleotide variant.
Coding change: c.229C>T on transcript NM_022089.4 (MANE Select); coding-DNA position 229, C replaced by T.
Protein change: p.Leu77Phe; replaces leucine 77 with phenylalanine.
Molecular consequence: missense variant.
Genome position (GRCh38, 1-based): chr1:17,005,433, G>A on the plus strand (C>T on the coding strand, the complement: ATP13A2 is on the minus strand). VCF-style: chr1-17005433-G-A. GRCh37 (hg19) VCF-style: chr1-17331928-G-A.
Other names: c.229C>T, p.Leu77Phe (NM_001141973.3, NM_001141974.3); short protein forms L77F.
Identifiers: ClinVar variation 388538 (VCV000388538.11), dbSNP rs763004392, ClinGen allele CA637723.
Genomic context (GRCh38, chr1:17,005,433, plus strand): 5'-CCTCTTTGTCTCTTATTTCGATAACGAGTGTTTCGGCGTGGGCCAGGTTGCAGGGCCGGA[G>A]CCGCAGCCGCACCCCCCACAGGGGCTTCCAACGGAAGAGCAGCAAAGGGATCCCAGCCAT-3'
Protein context (NP_071372.1, residues 67-87): WKPLWGVRLR[Leu77Phe]RPCNLAHAET

ClinVar aggregate classification (germline): Uncertain significance. Review status: criteria provided, multiple submitters, no conflicts (2 of 4 stars). 2 submissions from 2 submitters: Uncertain significance (2). Last evaluated 2025-04-30.

Conditions:
Kufor-Rakeb syndrome (KRS). Also called: PARKINSON DISEASE 9, AUTOSOMAL RECESSIVE, JUVENILE-ONSET. Identifiers: Orphanet 306674, Orphanet 314632, MedGen C1847640, MONDO:0011706, OMIM 606693.
Autosomal recessive spastic paraplegia type 78. Identifiers: Orphanet 513436, MedGen C5567893, MONDO:0014975, OMIM 617225.

Allele frequency attached by ClinVar (database versions not stated): gnomAD 0.00001; TOPMed 0.00001; ExAC 0.00002; gnomAD exomes 0.00002 and 0.00003.
gnomAD v4.1: 17 of 1,613,414 alleles (0.0011%); highest among the groups gnomAD compares: Non-Finnish European, 0.0014%; no homozygotes.

Submissions (2):

GeneDx
Classification: Uncertain significance. Last evaluated: 2025-04-30. Review status: criteria provided, single submitter. Criteria: GeneDx Variant Classification Process June 2021. Collection method: clinical testing. Allele origin: germline. Affected: yes.
Comment: Not observed at significant frequency in large population cohorts (gnomAD); In silico analysis indicates that this missense variant does not alter protein structure/function; Has not been previously published as pathogenic or benign to our knowledge

Labcorp Genetics (formerly Invitae), Labcorp
Classification: Uncertain significance for Kufor-Rakeb syndrome; Autosomal recessive spastic paraplegia type 78. Last evaluated: 2024-05-30. Review status: criteria provided, single submitter. Criteria: Invitae Variant Classification Sherloc (09022015). Collection method: clinical testing. Allele origin: germline.
Comment: This sequence change replaces leucine, which is neutral and non-polar, with phenylalanine, which is neutral and non-polar, at codon 77 of the ATP13A2 protein (p.Leu77Phe). This variant is present in population databases (rs763004392, gnomAD 0.004%). This variant has not been reported in the literature in individuals affected with ATP13A2-related conditions. ClinVar contains an entry for this variant (Variation ID: 388538). Advanced modeling of protein sequence and biophysical properties (such as structural, functional, and spatial information, amino acid conservation, physicochemical variation, residue mobility, and thermodynamic stability) performed at Invitae indicates that this missense variant is not expected to disrupt ATP13A2 protein function with a negative predictive value of 80%. In summary, the available evidence is currently insufficient to determine the role of this variant in disease. Therefore, it has been classified as a Variant of Uncertain Significance.